The following is an entry in ClinVar:

ClinVar aggregate classification (germline): Conflicting classifications of pathogenicity. Review status: criteria provided, conflicting classifications (1 of 4 stars). 3 submissions from 3 submitters: Uncertain significance (1); Likely benign (2). Last evaluated 2025-08-08.

Conditions:
Cardiovascular phenotype. Identifiers: MedGen CN230736.
Cardiomyopathy (CMYO). Also called: Cardiomyopathies. Identifiers: Orphanet 167848, MedGen C0878544, MONDO:0004994, HP:0001638. Inheritance: Various modes of inheritance.
Catecholaminergic polymorphic ventricular tachycardia 1. Also called: VENTRICULAR TACHYCARDIA, CATECHOLAMINERGIC POLYMORPHIC, 1, WITH OR WITHOUT ATRIAL DYSFUNCTION AND/OR DILATED CARDIOMYOPATHY; RYR2-Related Catecholaminergic Polymorphic Ventricular Tachycardia; VENTRICULAR TACHYCARDIA, STRESS-INDUCED POLYMORPHIC 1. Identifiers: Orphanet 3286, MedGen C1631597, MONDO:0011484, OMIM 604772.

Submissions (3):

Labcorp Genetics (formerly Invitae), Labcorp
Classification: Likely benign for Catecholaminergic polymorphic ventricular tachycardia 1. Last evaluated: 2025-08-08. Review status: criteria provided, single submitter. Criteria: Invitae Variant Classification Sherloc (09022015). Collection method: clinical testing. Allele origin: germline.

Ambry Genetics
Classification: Uncertain significance for Cardiovascular phenotype. Last evaluated: 2021-03-23. Review status: criteria provided, single submitter. Criteria: Ambry Variant Classification Scheme 2023. Collection method: clinical testing. Allele origin: germline.
Comment: The c.8715-4C>G intronic variant results from a C to G substitution 4 nucleotides upstream from coding exon 60 in the RYR2 gene. This nucleotide position is not well conserved in available vertebrate species. In silico splice site analysis predicts that this alteration will not have any significant effect on splicing. Since supporting evidence is limited at this time, the clinical significance of this alteration remains unclear.

Color Diagnostics, LLC DBA Color Health
Classification: Likely benign for Cardiomyopathy. Last evaluated: 2019-10-07. Review status: criteria provided, single submitter. Criteria: ACMG Guidelines, 2015. Collection method: clinical testing. Allele origin: germline.

NM_001035.3(RYR2):c.8715-4C>G

Gene: RYR2 (ryanodine receptor 2; plus strand). Cytogenetic location: 1q43.
Variant type: single nucleotide variant.
Coding change: c.8715-4C>G on transcript NM_001035.3 (MANE Select); 4 bases into the intron before coding-DNA position 8715, C replaced by G.
Molecular consequence: intron variant.
Genome position (GRCh38, 1-based): chr1:237,674,727, C>G. VCF-style: chr1-237674727-C-G. GRCh37 (hg19) VCF-style: chr1-237838027-C-G.
Other names: c.8715-4C>G (NM_001035.2).
Identifiers: ClinVar variation 922867 (VCV000922867.13), dbSNP rs1024126701, ClinGen allele CA39819738.